The following is an entry in ClinVar:

NM_024675.4(PALB2):c.3264_3266dup (p.Val1089dup)

Gene: PALB2 (partner and localizer of BRCA2; minus strand). Cytogenetic location: 16p12.2.
Variant type: Duplication.
Coding change: c.3264_3266dup on transcript NM_024675.4 (MANE Select); coding-DNA positions 3264 to 3266, 3 bases duplicated (TGT; older notation c.3264_3266dupTGT).
Protein change: p.Val1089dup; duplicates valine 1089.
Molecular consequence: inframe insertion.
Genome position (GRCh38, 1-based): chr16:23,607,948-23,607,950, ACA duplicated on the plus strand (TGT on the coding strand, the reverse complement: PALB2 is on the minus strand). VCF-style (leftmost placement, unchanged base first): chr16-23607947-C-CACA. GRCh37 (hg19) VCF-style: chr16-23619268-C-CACA.
Other names: c.3264_3266dupTGT (NM_024675.3).
Identifiers: ClinVar variation 410208 (VCV000410208.17), dbSNP rs1060502802, ClinGen allele CA16614843.
Genomic context (GRCh38, chr16:23,607,947, plus strand): 5'-ACAGTACAGCATCACACCCACGCTGAGAGTCGTCTTAGGGTTAATCACAATGAGCTGAAA[C>CACA]ACAGGGCTTCGCAACGACTCACTCTCTTTGGCACAGGGATGACTCAGGACAATAAAGAGA-3'

ClinVar aggregate classification (germline): Uncertain significance. Review status: criteria provided, multiple submitters, no conflicts (2 of 4 stars). 4 submissions from 4 submitters: Uncertain significance (4). Last evaluated 2024-08-20.

Conditions:
Hereditary cancer-predisposing syndrome. Also called: Neoplastic Syndromes, Hereditary; Tumor predisposition; Hereditary Cancer Syndrome; Hereditary neoplastic syndrome. Identifiers: Orphanet 140162, MedGen C0027672, MeSH D009386, MONDO:0015356.
Familial cancer of breast. Also called: hereditary breast carcinoma; BREAST CANCER, FAMILIAL; Hereditary breast cancer. Identifiers: Orphanet 227535, MedGen C0346153, MONDO:0016419, OMIM 114480. Disease mechanism: loss of function.

Allele frequency attached by ClinVar (database versions not stated): gnomAD exomes below 0.00001.

Submissions (4):

Ambry Genetics
Classification: Uncertain significance for Hereditary cancer-predisposing syndrome. Last evaluated: 2024-08-20. Review status: criteria provided, single submitter. Criteria: Ambry Variant Classification Scheme 2023. Collection method: clinical testing. Allele origin: germline.
Comment: The c.3264_3266dupTGT variant (also known as p.V1089dup), located in coding exon 12 of the PALB2 gene, results from an in-frame duplication of TGT at nucleotide positions 3264 to 3266. This results in the duplication of an extra valine residue between codons 1089 and 1090. This amino acid position is well conserved in available vertebrate species. In addition, this alteration is predicted to be deleterious by in silico analysis (Choi Y et al. PLoS ONE. 2012; 7(10):e46688). Since supporting evidence is limited at this time, the clinical significance of this alteration remains unclear.

Labcorp Genetics (formerly Invitae), Labcorp
Classification: Uncertain significance for Familial cancer of breast. Last evaluated: 2024-06-17. Review status: criteria provided, single submitter. Criteria: Invitae Variant Classification Sherloc (09022015). Collection method: clinical testing. Allele origin: germline.
Comment: This variant, c.3264_3266dup, results in the insertion of 1 amino acid(s) of the PALB2 protein (p.Val1089dup), but otherwise preserves the integrity of the reading frame. This variant is not present in population databases (gnomAD no frequency). This variant has not been reported in the literature in individuals affected with PALB2-related conditions. ClinVar contains an entry for this variant (Variation ID: 410208). Experimental studies and prediction algorithms are not available or were not evaluated, and the functional significance of this variant is currently unknown. In summary, the available evidence is currently insufficient to determine the role of this variant in disease. Therefore, it has been classified as a Variant of Uncertain Significance.

Blueprint Genetics
Classification: Uncertain significance. Last evaluated: 2024-02-25. Review status: criteria provided, single submitter. Criteria: ACMG Guidelines, 2015. Collection method: clinical testing. Allele origin: germline.

Color Diagnostics, LLC DBA Color Health
Classification: Uncertain significance for Hereditary cancer-predisposing syndrome. Last evaluated: 2021-09-22. Review status: criteria provided, single submitter. Criteria: ACMG Guidelines, 2015. Collection method: clinical testing. Allele origin: germline.
Comment: This variant causes the duplication of a single amino acid from the BRCA2/ RAD51 binding domain of the PALB2 protein. To our knowledge, functional studies have not been reported for this variant. This variant has been reported in a few individuals affected with breast cancer (PMID: 26564480; Color internal data). This variant has not been identified in the general population by the Genome Aggregation Database (gnomAD). The available evidence is insufficient to determine the role of this variant in disease conclusively. Therefore, this variant is classified as a Variant of Uncertain Significance.

Literature cited by the submitters: PubMed 26564480 (cited by Color Diagnostics, LLC DBA Color Health).